The following is an entry in ClinVar:

NM_020347.4(LZTFL1):c.836C>T (p.Thr279Ile)

Gene: LZTFL1 (leucine zipper transcription factor like 1; minus strand). Cytogenetic location: 3p21.31.
Variant type: single nucleotide variant.
Coding change: c.836C>T on transcript NM_020347.4 (MANE Select); coding-DNA position 836, C replaced by T.
Protein change: p.Thr279Ile; replaces threonine 279 with isoleucine.
Molecular consequence: missense variant. On other transcripts: non-coding transcript variant (1), intron variant (6).
Genome position (GRCh38, 1-based): chr3:45,827,401, G>A on the plus strand (C>T on the coding strand, the complement: LZTFL1 is on the minus strand). VCF-style: chr3-45827401-G-A. GRCh37 (hg19) VCF-style: chr3-45868893-G-A.
Other names: c.785C>T, p.Thr262Ile (NM_001276378.2, NM_001386451.1, NM_001405922.1 and 1 more transcripts); c.860C>T, p.Thr287Ile (NM_001405920.1); c.824C>T, p.Thr275Ile (NM_001405921.1); c.770C>T, p.Thr257Ile (NM_001405924.1); c.801+1038C>T (NM_001405925.1); c.765+1038C>T (NM_001276379.2); c.726+1038C>T (NM_001405927.1, NM_001405926.1, NM_001405928.1); c.777+1038C>T (NM_001386452.1); short protein forms T257I, T262I, T275I, T279I, T287I.
Identifiers: ClinVar variation 3618672 (VCV003618672.2).
Genomic context (GRCh38, chr3:45,827,401, plus strand): 5'-ATCAGTGTGGCTTACTGTGCCAGTCTTTTCCTCAGATCTTTGATTTGGTCATTCTTCTTG[G>A]TAAGAATCTCTTTCATGTTTCGATAAGCTGCTGTTTGCTGAAATTTCTTTTCTAATTCCT-3'
Protein context (NP_065080.1, residues 269-289): AAYRNMKEIL[Thr279Ile]KKNDQIKDLR

ClinVar aggregate classification (germline): Uncertain significance (1 of 4 stars; one submission).

gnomAD v4.1: 9 of 1,613,698 alleles (0.00056%); highest among the groups gnomAD compares: Admixed American, 0.0017%; no homozygotes.

Submission:

Labcorp Genetics (formerly Invitae), Labcorp
Classification: Uncertain significance. Last evaluated: 2024-10-07. Review status: criteria provided, single submitter. Criteria: Invitae Variant Classification Sherloc (09022015). Collection method: clinical testing. Allele origin: germline.
Comment: This sequence change replaces threonine, which is neutral and polar, with isoleucine, which is neutral and non-polar, at codon 279 of the LZTFL1 protein (p.Thr279Ile). This variant is present in population databases (rs765726479, gnomAD 0.003%). This variant has not been reported in the literature in individuals affected with LZTFL1-related conditions. Invitae Evidence Modeling of protein sequence and biophysical properties (such as structural, functional, and spatial information, amino acid conservation, physicochemical variation, residue mobility, and thermodynamic stability) indicates that this missense variant is not expected to disrupt LZTFL1 protein function with a negative predictive value of 80%. In summary, the available evidence is currently insufficient to determine the role of this variant in disease. Therefore, it has been classified as a Variant of Uncertain Significance.